The following is an entry in ClinVar:

ClinVar aggregate classification (germline): Likely benign (1 of 4 stars; one submission).

Conditions:
Marfan syndrome (MFS). Also called: MARFAN SYNDROME, TYPE I; Marfan syndrome type 1; Marfan's syndrome; FBN1-Related Marfan Syndrome; Marfan syndrome, classic. Identifiers: Orphanet 284963, Orphanet 558, MedGen C0024796, MONDO:0007947, OMIM 154700.

Submission:

All of Us Research Program, National Institutes of Health
Classification: Likely benign for Marfan syndrome. Last evaluated: 2024-03-24. Review status: criteria provided, single submitter. Criteria: ACMG Guidelines, 2015. Collection method: clinical testing. Allele origin: germline. Inheritance: Autosomal dominant inheritance. Observed: 1 variant allele, 1 heterozygote.
Comment: This study involves interpretation of variants in research participants for the purpose of population health screening. Participant phenotype was not available at the time of variant classification. Additional details can be found in publication PMID: 35346344, PMCID: PMC8962531

NM_000138.5(FBN1):c.5211C>T (p.Pro1737=)

Gene: FBN1 (fibrillin 1; minus strand). Cytogenetic location: 15q21.1.
Variant type: single nucleotide variant.
Coding change: c.5211C>T on transcript NM_000138.5 (MANE Select); coding-DNA position 5211, C replaced by T.
Protein change: p.Pro1737=; no amino-acid change (proline 1737 retained).
Molecular consequence: synonymous variant.
Genome position (GRCh38, 1-based): chr15:48,463,095, G>A on the plus strand (C>T on the coding strand, the complement: FBN1 is on the minus strand). VCF-style: chr15-48463095-G-A. GRCh37 (hg19) VCF-style: chr15-48755292-G-A.
Identifiers: ClinVar variation 3386788 (VCV003386788.1), dbSNP rs267604239.